The following is an entry in ClinVar:

NM_213622.4(STAMBP):c.33C>T (p.Pro11=)

Genes: STAMBP (STAM binding protein; plus strand), LOC126806253 (CDK7 strongly-dependent group 2 enhancer GRCh37_chr2:74057585-74058784; plus strand). Cytogenetic location: 2p13.1.
Variant type: single nucleotide variant.
Coding change: c.33C>T on transcript NM_213622.4 (MANE Select); coding-DNA position 33, C replaced by T.
Protein change: p.Pro11=; no amino-acid change (proline 11 retained).
Molecular consequence: synonymous variant. On other transcripts: 5 prime UTR variant (5), non-coding transcript variant (4), intron variant (1).
Genome position (GRCh38, 1-based): chr2:73,830,889, C>T. VCF-style: chr2-73830889-C-T. GRCh37 (hg19) VCF-style: chr2-74058016-C-T.
Other names: c.33C>T, p.Pro11= (NM_001353967.2, NM_001353968.2, NM_001353969.2 and 3 more transcripts); c.-521C>T (NM_001353971.2, NM_001353973.2, NM_001353974.2 and 2 more transcripts); c.-203+1893C>T (NM_001353972.2).
Identifiers: ClinVar variation 715248 (VCV000715248.21), dbSNP rs145371363, ClinGen allele CA1717426.
Genomic context (GRCh38, chr2:73,830,889, plus strand): 5'-GTTTTTTCTGTCTCAGAACTTGGTCCTGATGTCTGACCATGGAGATGTGAGCCTCCCGCC[C>T]GAAGACCGGGTGAGGGCTCTCTCCCAGCTGGGTAGTGCGGTAGAGGTGAATGAAGACATT-3'
Protein context (NP_998787.1, residues 1-21): MSDHGDVSLP[Pro11=]EDRVRALSQL

ClinVar aggregate classification (germline): Likely benign. Review status: criteria provided, multiple submitters, no conflicts (2 of 4 stars). 6 submissions from 6 submitters: Likely benign (5). 1 of the submissions does not count toward it. Last evaluated 2026-06-01.

Conditions:
Microcephaly-capillary malformation syndrome (MICCAP). Identifiers: Orphanet 294016, MedGen C3280296, MONDO:0013659, OMIM 614261.
STAMBP-related disorder. Also called: STAMBP-related condition.

Allele frequency attached by ClinVar (database versions not stated): ESP Exome Variant Server 0.00008; TOPMed 0.00018; 1000 Genomes Project 0.00040; 1000 Genomes Project 30x 0.00047.
gnomAD v4.1: 212 of 1,613,624 alleles (0.013%); highest among the groups gnomAD compares: Admixed American, 0.14%; no homozygotes.

Submissions (6):

CeGaT Center for Human Genetics Tuebingen
Classification: Likely benign. Last evaluated: 2026-06-01. Review status: criteria provided, single submitter. Criteria: CeGaT Center For Human Genetics Tuebingen Variant Classification Criteria Version 2. Collection method: clinical testing. Allele origin: germline. Affected: yes. Observed: 1 variant allele.
Comment: STAMBP: BP4, BP7

Labcorp Genetics (formerly Invitae), Labcorp
Classification: Likely benign. Last evaluated: 2025-11-13. Review status: criteria provided, single submitter. Criteria: Invitae Variant Classification Sherloc (09022015). Collection method: clinical testing. Allele origin: germline.

Blueprint Genetics
Classification: Likely benign. Last evaluated: 2024-04-02. Review status: criteria provided, single submitter. Criteria: ACMG Guidelines, 2015. Collection method: clinical testing. Allele origin: germline.

ARUP Laboratories, Molecular Genetics and Genomics, ARUP Laboratories
Classification: Likely benign for Microcephaly-capillary malformation syndrome. Last evaluated: 2021-09-21. Review status: criteria provided, single submitter. Criteria: ARUP Molecular Germline Variant Investigation Process 2021. Collection method: clinical testing. Allele origin: germline.

Breakthrough Genomics
Classification: Likely benign. Review status: criteria provided, single submitter. Criteria: ACMG Guidelines, 2015. Collection method: not provided. Allele origin: germline. Inheritance: Autosomal recessive inheritance. Affected: yes.

PreventionGenetics, part of Exact Sciences
Classification: Likely benign for STAMBP-related condition. Last evaluated: 2019-02-28. Review status: no assertion criteria provided. Collection method: clinical testing. Allele origin: germline. Not counted in ClinVar's aggregate classification.
Comment: This variant is classified as likely benign based on ACMG/AMP sequence variant interpretation guidelines (Richards et al. 2015 PMID: 25741868, with internal and published modifications).